The following is an entry in ClinVar:

NM_000051.4(ATM):c.2358C>G (p.Cys786Trp)

Gene: ATM (ATM serine/threonine kinase; plus strand). Cytogenetic location: 11q22.3.
Variant type: single nucleotide variant.
Coding change: c.2358C>G on transcript NM_000051.4 (MANE Select); coding-DNA position 2358, C replaced by G.
Protein change: p.Cys786Trp; replaces cysteine 786 with tryptophan.
Molecular consequence: missense variant.
Genome position (GRCh38, 1-based): chr11:108,257,588, C>G. VCF-style: chr11-108257588-C-G. GRCh37 (hg19) VCF-style: chr11-108128315-C-G.
Other names: c.2358C>G, p.Cys786Trp (NM_001351834.2); short protein forms C786W.
Identifiers: ClinVar variation 4618517 (VCV004618517.1).

ClinVar aggregate classification (germline): Uncertain significance (1 of 4 stars; one submission).

Conditions:
Hereditary cancer-predisposing syndrome. Also called: Neoplastic Syndromes, Hereditary; Tumor predisposition; Hereditary Cancer Syndrome; Hereditary neoplastic syndrome. Identifiers: Orphanet 140162, MedGen C0027672, MeSH D009386, MONDO:0015356.

Submission:

Ambry Genetics
Classification: Uncertain significance for Hereditary cancer-predisposing syndrome. Last evaluated: 2025-12-05. Review status: criteria provided, single submitter. Criteria: Ambry Variant Classification Scheme 2023. Collection method: clinical testing. Allele origin: germline.
Comment: The p.C786W variant (also known as c.2358C>G), located in coding exon 14 of the ATM gene, results from a C to G substitution at nucleotide position 2358. The cysteine at codon 786 is replaced by tryptophan, an amino acid with highly dissimilar properties. In an assay testing ATM function, this variant showed a functionally normal result (Lee KS et al. Cell, 2025 Sep;188:5081-5099.e27). This amino acid position is not well conserved in available vertebrate species. In addition, the in silico prediction for this alteration is inconclusive. Based on the available evidence, the clinical significance of this variant remains unclear.

Literature cited by the submitters: PubMed 40580951.